The following is an entry in ClinVar:

ClinVar aggregate classification (germline): Likely benign. Review status: criteria provided, multiple submitters, no conflicts (2 of 4 stars). 3 submissions from 3 submitters: Likely benign (2). 1 of the submissions does not count toward it. Last evaluated 2025-12-28.

Conditions:
JMJD1C-related disorder. Also called: JMJD1C-related condition.
Early Myoclonic Encephalopathy. Identifiers: MedGen C0270855.

Allele frequency attached by ClinVar (database versions not stated): ESP Exome Variant Server 0.00109; gnomAD exomes 0.00012 and 0.00030; 1000 Genomes Project 0.00100; ExAC 0.00032; gnomAD 0.00104 and 0.00112; 1000 Genomes Project 30x 0.00109; TOPMed 0.00132.
gnomAD v4.1: 350 of 1,614,050 alleles (0.022%); highest among the groups gnomAD compares: African/African-American, 0.4%; 1 homozygote.

Submissions (3):

Labcorp Genetics (formerly Invitae), Labcorp
Classification: Likely benign for Early Myoclonic Encephalopathy. Last evaluated: 2025-12-28. Review status: criteria provided, single submitter. Criteria: Invitae Variant Classification Sherloc (09022015). Collection method: clinical testing. Allele origin: germline.

Breakthrough Genomics
Classification: Likely benign. Review status: criteria provided, single submitter. Criteria: ACMG Guidelines, 2015. Collection method: not provided. Allele origin: germline. Inheritance: Unknown mechanism. Affected: yes.

PreventionGenetics, part of Exact Sciences
Classification: Likely benign for JMJD1C-related condition. Last evaluated: 2023-01-04. Review status: no assertion criteria provided. Collection method: clinical testing. Allele origin: germline. Not counted in ClinVar's aggregate classification.
Comment: This variant is classified as likely benign based on ACMG/AMP sequence variant interpretation guidelines (Richards et al. 2015 PMID: 25741868, with internal and published modifications).

NM_032776.3(JMJD1C):c.1868T>C (p.Ile623Thr)

Gene: JMJD1C (jumonji domain containing 1C; minus strand). Cytogenetic location: 10q21.3.
Variant type: single nucleotide variant.
Coding change: c.1868T>C on transcript NM_032776.3 (MANE Select); coding-DNA position 1868, T replaced by C.
Protein change: p.Ile623Thr; replaces isoleucine 623 with threonine.
Molecular consequence: missense variant. On other transcripts: non-coding transcript variant (1).
Genome position (GRCh38, 1-based): chr10:63,214,299, A>G on the plus strand (T>C on the coding strand, the complement: JMJD1C is on the minus strand). VCF-style: chr10-63214299-A-G. GRCh37 (hg19) VCF-style: chr10-64974059-A-G.
Other names: c.1322T>C, p.Ile441Thr (NM_001282948.2, NM_001318154.2); c.1004T>C, p.Ile335Thr (NM_001318153.2); c.1754T>C, p.Ile585Thr (NM_001322252.2); c.1211T>C, p.Ile404Thr (NM_001322254.2, NM_001322258.2); short protein forms I623T, I335T, I441T, I404T, I585T.
Identifiers: ClinVar variation 529726 (VCV000529726.15), dbSNP rs183692723, ClinGen allele CA5518730.